The following is an entry in ClinVar:

ClinVar aggregate classification (germline): Uncertain significance (1 of 4 stars; one submission).

Conditions:
Inborn genetic diseases. Identifiers: MedGen C0950123, MeSH D030342.

Allele frequency attached by ClinVar (database versions not stated): gnomAD exomes below 0.00001.
gnomAD v4.1: 2 of 1,608,852 alleles (0.00012%); highest among the groups gnomAD compares: Admixed American, 0.0017%; no homozygotes.

Submission:

Ambry Genetics
Classification: Uncertain significance for Inborn genetic diseases. Last evaluated: 2022-11-04. Review status: criteria provided, single submitter. Criteria: Ambry Variant Classification Scheme 2023. Collection method: clinical testing. Allele origin: germline.
Comment: The p.D584N variant (also known as c.1750G>A), located in coding exon 8 of the ATR gene, results from a G to A substitution at nucleotide position 1750. The aspartic acid at codon 584 is replaced by asparagine, an amino acid with highly similar properties. This amino acid position is conserved. In addition, this alteration is predicted to be tolerated by in silico analysis. Since supporting evidence is limited at this time, the clinical significance of this alteration remains unclear.

NM_001184.4(ATR):c.1750G>A (p.Asp584Asn)

Gene: ATR (ATR checkpoint kinase; minus strand). Cytogenetic location: 3q23.
Variant type: single nucleotide variant.
Coding change: c.1750G>A on transcript NM_001184.4 (MANE Select); coding-DNA position 1750, G replaced by A.
Protein change: p.Asp584Asn; replaces aspartic acid 584 with asparagine.
Molecular consequence: missense variant.
Genome position (GRCh38, 1-based): chr3:142,558,759, C>T on the plus strand (G>A on the coding strand, the complement: ATR is on the minus strand). VCF-style: chr3-142558759-C-T. GRCh37 (hg19) VCF-style: chr3-142277601-C-T.
Other names: c.1558G>A, p.Asp520Asn (NM_001354579.2); short protein forms D584N, D520N.
Identifiers: ClinVar variation 2453512 (VCV002453512.2), dbSNP rs2108477974, ClinGen allele CA354821463.